The following is an entry in ClinVar:

ClinVar aggregate classification (germline): Uncertain significance (1 of 4 stars; one submission).

gnomAD v4.1: 16 of 1,614,036 alleles (0.00099%); highest among the groups gnomAD compares: African/African-American, 0.008%; no homozygotes.

Submission:

Labcorp Genetics (formerly Invitae), Labcorp
Classification: Uncertain significance. Last evaluated: 2025-06-10. Review status: criteria provided, single submitter. Criteria: Invitae Variant Classification Sherloc (09022015). Collection method: clinical testing. Allele origin: germline.
Comment: This sequence change replaces glutamine, which is neutral and polar, with histidine, which is basic and polar, at codon 1053 of the TEK protein (p.Gln1053His). This variant is present in population databases (rs201502264, gnomAD 0.01%). This variant has not been reported in the literature in individuals affected with TEK-related conditions. Invitae Evidence Modeling of protein sequence and biophysical properties (such as structural, functional, and spatial information, amino acid conservation, physicochemical variation, residue mobility, and thermodynamic stability) indicates that this missense variant is not expected to disrupt TEK protein function with a negative predictive value of 80%. In summary, the available evidence is currently insufficient to determine the role of this variant in disease. Therefore, it has been classified as a Variant of Uncertain Significance.

NM_000459.5(TEK):c.3159G>C (p.Gln1053His)

Gene: TEK (TEK receptor tyrosine kinase; plus strand). Cytogenetic location: 9p21.2.
Variant type: single nucleotide variant.
Coding change: c.3159G>C on transcript NM_000459.5 (MANE Select); coding-DNA position 3159, G replaced by C.
Protein change: p.Gln1053His; replaces glutamine 1053 with histidine.
Molecular consequence: missense variant.
Genome position (GRCh38, 1-based): chr9:27,220,104, G>C. VCF-style: chr9-27220104-G-C. GRCh37 (hg19) VCF-style: chr9-27220102-G-C.
Other names: c.3030G>C, p.Gln1010His (NM_001290077.2); c.2715G>C, p.Gln905His (NM_001290078.2); c.3156G>C, p.Gln1052His (NM_001375475.1); c.3027G>C, p.Gln1009His (NM_001375476.1); short protein forms Q1052H, Q905H, Q1010H, Q1009H, Q1053H.
Identifiers: ClinVar variation 4691518 (VCV004691518.1).
Genomic context (GRCh38, chr9:27,220,104, plus strand): 5'-TCCAGGAGGCACACCCTACTGCGGGATGACTTGTGCAGAACTCTACGAGAAGCTGCCCCA[G>C]GGCTACAGACTGGAGAAGCCCCTGAACTGTGATGATGAGGTGTAAGTCAGGCCTCATCCT-3'
Protein context (NP_000450.3, residues 1043-1063): TCAELYEKLP[Gln1053His]GYRLEKPLNC